The following is an entry in ClinVar:

NM_001363711.2(DUOX2):c.1277T>C (p.Val426Ala)

Gene: DUOX2 (dual oxidase 2; minus strand). Cytogenetic location: 15q21.1.
Variant type: single nucleotide variant.
Coding change: c.1277T>C on transcript NM_001363711.2 (MANE Select); coding-DNA position 1277, T replaced by C.
Protein change: p.Val426Ala; replaces valine 426 with alanine.
Molecular consequence: missense variant.
Genome position (GRCh38, 1-based): chr15:45,108,910, A>G on the plus strand (T>C on the coding strand, the complement: DUOX2 is on the minus strand). VCF-style: chr15-45108910-A-G. GRCh37 (hg19) VCF-style: chr15-45401108-A-G.
Other names: c.1277T>C, p.Val426Ala (NM_014080.5); short protein forms V426A.
Identifiers: ClinVar variation 2054664 (VCV002054664.4), dbSNP rs1232227622, ClinGen allele CA392276973.
Genomic context (GRCh38, chr15:45,108,910, plus strand): 5'-AGCAGGGCCTGGCTATAGCTGGGCAGCCCCATATCTCGGCCACGTTGGATGCTGCTGGCC[A>G]CATAGTCTGTACGGGAGAATTTGCCAGGGCCAGGCCAGTAATCTGAAGAGGAGAGAAGAC-3'
Protein context (NP_001350640.1, residues 416-436): GPGKFSRTDY[Val426Ala]ASSIQRGRDM

ClinVar aggregate classification (germline): Uncertain significance (1 of 4 stars; one submission).

Allele frequency attached by ClinVar (database versions not stated): gnomAD 0.00002; TOPMed 0.00002.
gnomAD v4.1: 4 of 1,614,150 alleles (0.00025%); highest among the groups gnomAD compares: Admixed American, 0.0033%; no homozygotes.

Submission:

Labcorp Genetics (formerly Invitae), Labcorp
Classification: Uncertain significance. Last evaluated: 2023-11-19. Review status: criteria provided, single submitter. Criteria: Invitae Variant Classification Sherloc (09022015). Collection method: clinical testing. Allele origin: germline.
Comment: This sequence change replaces valine, which is neutral and non-polar, with alanine, which is neutral and non-polar, at codon 426 of the DUOX2 protein (p.Val426Ala). This variant is not present in population databases (gnomAD no frequency). This variant has not been reported in the literature in individuals affected with DUOX2-related conditions. ClinVar contains an entry for this variant (Variation ID: 2054664). Advanced modeling of protein sequence and biophysical properties (such as structural, functional, and spatial information, amino acid conservation, physicochemical variation, residue mobility, and thermodynamic stability) performed at Invitae indicates that this missense variant is not expected to disrupt DUOX2 protein function with a negative predictive value of 80%. In summary, the available evidence is currently insufficient to determine the role of this variant in disease. Therefore, it has been classified as a Variant of Uncertain Significance.